The following is an entry in ClinVar:

ClinVar aggregate classification (germline): Conflicting classifications of pathogenicity. Review status: criteria provided, conflicting classifications (1 of 4 stars). 6 submissions from 6 submitters: Uncertain significance (5); Likely benign (1). Last evaluated 2025-08-07.

Conditions:
Hereditary cancer-predisposing syndrome. Also called: Tumor predisposition; Hereditary Cancer Syndrome; Neoplastic Syndromes, Hereditary; Hereditary neoplastic syndrome. Identifiers: Orphanet 140162, MedGen C0027672, MeSH D009386, MONDO:0015356.
Hereditary breast ovarian cancer syndrome. Also called: Breast and ovarian cancer; Hereditary breast and ovarian cancer; Hereditary breast and ovarian cancer syndrome; Hereditary breast and/or ovarian cancer syndrome; BRCA1- and BRCA2-Associated Hereditary Breast and Ovarian Cancer; Hereditary breast and ovarian cancer syndrome (HBOC). Identifiers: Orphanet 145, MedGen C0677776, MeSH D061325, MONDO:0003582. Disease mechanism: loss of function.
Breast-ovarian cancer, familial, susceptibility to, 1 (BROVCA1). Also called: BRCA1 Hereditary Breast and Ovarian Cancer; OVARIAN CANCER, SUSCEPTIBILITY TO. Identifiers: Orphanet 145, MedGen C2676676, MONDO:0011450, OMIM 604370. Disease mechanism: loss of function.

Submissions (6):

Labcorp Genetics (formerly Invitae), Labcorp
Classification: Uncertain significance for Hereditary breast ovarian cancer syndrome. Last evaluated: 2025-08-07. Review status: criteria provided, single submitter. Criteria: Invitae Variant Classification Sherloc (09022015). Collection method: clinical testing. Allele origin: germline.
Comment: This sequence change replaces tyrosine, which is neutral and polar, with cysteine, which is neutral and slightly polar, at codon 465 of the BRCA1 protein (p.Tyr465Cys). This variant is not present in population databases (gnomAD no frequency). This variant has not been reported in the literature in individuals affected with BRCA1-related conditions. ClinVar contains an entry for this variant (Variation ID: 232629). Invitae Evidence Modeling of protein sequence and biophysical properties (such as structural, functional, and spatial information, amino acid conservation, physicochemical variation, residue mobility, and thermodynamic stability) indicates that this missense variant is expected to disrupt BRCA1 protein function with a positive predictive value of 80%. In summary, the available evidence is currently insufficient to determine the role of this variant in disease. Therefore, it has been classified as a Variant of Uncertain Significance.

Color Diagnostics, LLC DBA Color Health
Classification: Uncertain significance for Hereditary cancer-predisposing syndrome. Last evaluated: 2024-01-16. Review status: criteria provided, single submitter. Criteria: ACMG Guidelines, 2015. Collection method: clinical testing. Allele origin: germline.
Comment: This missense variant replaces tyrosine with cysteine at codon 465 of the BRCA1 protein. Computational prediction suggests that this variant may have deleterious impact on protein structure and function. To our knowledge, functional studies have not been reported for this variant. This variant has not been reported in individuals affected with BRCA1-related disorders in the literature. This variant has not been identified in the general population by the Genome Aggregation Database (gnomAD). The available evidence is insufficient to determine the role of this variant in disease conclusively. Therefore, this variant is classified as a Variant of Uncertain Significance.

Ambry Genetics
Classification: Uncertain significance for Hereditary cancer-predisposing syndrome. Last evaluated: 2023-12-23. Review status: criteria provided, single submitter. Criteria: Ambry Variant Classification Scheme 2023. Collection method: clinical testing. Allele origin: germline.
Comment: The p.Y465C variant (also known as c.1394A>G), located in coding exon 9 of the BRCA1 gene, results from an A to G substitution at nucleotide position 1394. The tyrosine at codon 465 is replaced by cysteine, an amino acid with highly dissimilar properties. This amino acid position is highly conserved in available vertebrate species. In addition, this alteration is predicted to be deleterious by in silico analysis. Since supporting evidence is limited at this time, the clinical significance of this alteration remains unclear.

University of Washington Department of Laboratory Medicine, University of Washington
Classification: Likely benign for Hereditary cancer-predisposing syndrome. Last evaluated: 2023-03-23. Review status: criteria provided, single submitter. Criteria: Dines et al. (Genet Med. 2020). Collection method: curation. Allele origin: germline.
Comment: Missense variant in a coldspot region where missense variants are very unlikely to be pathogenic (PMID:31911673).

BRCA1 coldspot (exon 11 using historical exon numbering). Reclassification based on statistical prior probability

All of Us Research Program, National Institutes of Health
Classification: Uncertain significance for Breast-ovarian cancer, familial, susceptibility to, 1. Last evaluated: 2023-02-22. Review status: criteria provided, single submitter. Criteria: ACMG Guidelines, 2015. Collection method: clinical testing. Allele origin: germline. Inheritance: Autosomal dominant inheritance. Observed: 1 variant allele, 1 heterozygote.
Comment: This missense variant replaces tyrosine with cysteine at codon 465 of the BRCA1 protein. Computational prediction suggests that this variant may have deleterious impact on protein structure and function. To our knowledge, functional studies have not been reported for this variant. This variant has not been reported in individuals affected with BRCA1-related disorders in the literature. This variant has not been identified in the general population by the Genome Aggregation Database (gnomAD). The available evidence is insufficient to determine the role of this variant in disease conclusively. Therefore, this variant is classified as a Variant of Uncertain Significance.

This study involves interpretation of variants in research participants for the purpose of population health screening. Participant phenotype was not available at the time of variant classification. Additional details can be found in publication PMID: 35346344, PMCID: PMC8962531

Women's Health and Genetics/Laboratory Corporation of America, LabCorp
Classification: Uncertain significance. Last evaluated: 2018-02-22. Review status: criteria provided, single submitter. Criteria: LabCorp Variant Classification Summary - May 2015. Collection method: clinical testing. Allele origin: germline.
Comment: Variant summary: BRCA1 c.1394A>G (p.Tyr465Cys) results in a non-conservative amino acid change located in the BRCA1, serine-rich domain of the encoded protein sequence. Five of five in-silico tools predict a damaging effect of the variant on protein function. However, these predictions have yet to be functionally assessed. The variant was absent in 121380 control chromosomes (ExAC). The available data on variant occurrences in the general population are insufficient to allow any conclusion about variant significance. To our knowledge, no occurrence of c.1394A>G in individuals affected with Hereditary Breast and Ovarian Cancer and no experimental evidence demonstrating its impact on protein function have been reported. Multiple ClinVar submissions from clinical diagnostic laboratories (evaluation after 2014) classify the variant as "uncertain significance." Based on the evidence outlined above, the variant was classified as uncertain significance.

NM_007294.4(BRCA1):c.1394A>G (p.Tyr465Cys)

Gene: BRCA1 (BRCA1 DNA repair associated; minus strand). Cytogenetic location: 17q21.31.
Variant type: single nucleotide variant.
Coding change: c.1394A>G on transcript NM_007294.4 (MANE Select); coding-DNA position 1394, A replaced by G.
Protein change: p.Tyr465Cys; replaces tyrosine 465 with cysteine.
Molecular consequence: missense variant. On other transcripts: intron variant (137).
Genome position (GRCh38, 1-based): chr17:43,094,137, T>C on the plus strand (A>G on the coding strand, the complement: BRCA1 is on the minus strand). VCF-style: chr17-43094137-T-C. GRCh37 (hg19) VCF-style: chr17-41246154-T-C.
Other names: c.664+607A>G (NM_001408425.1, NM_001408440.1, NM_001408428.1 and 12 more transcripts); c.670+1709A>G (NM_001408419.1, NM_001408422.1, NM_001408418.1 and 2 more transcripts); c.787+607A>G (NM_001408403.1, NM_001407983.1, NM_001407975.1 and 19 more transcripts); c.790+604A>G (NM_001408406.1); c.646+607A>G (NM_001408456.1, NM_001408410.1, NM_001408458.1 and 11 more transcripts); c.643+607A>G (NM_001408465.1, NM_001408463.1, NM_001408462.1 and 3 more transcripts); c.577+607A>G (NM_001408482.1, NM_001408484.1, NM_001408478.1 and 9 more transcripts); c.520+607A>G (NM_001408504.1, NM_001408503.1, NM_001408505.1); and 40 more; short protein forms Y465C, Y418C, Y297C, Y397C, Y424C, Y439C, Y337C, Y353C.
Identifiers: ClinVar variation 232629 (VCV000232629.23), dbSNP rs876659885, ClinGen allele CA10580668.